The following is an entry in ClinVar:

ClinVar aggregate classification (germline): Uncertain significance (1 of 4 stars; one submission).

Conditions:
Hereditary cancer-predisposing syndrome. Also called: Neoplastic Syndromes, Hereditary; Tumor predisposition; Hereditary Cancer Syndrome; Hereditary neoplastic syndrome. Identifiers: Orphanet 140162, MedGen C0027672, MeSH D009386, MONDO:0015356.

Submission:

Ambry Genetics
Classification: Uncertain significance for Hereditary cancer-predisposing syndrome. Last evaluated: 2025-08-20. Review status: criteria provided, single submitter. Criteria: Ambry Variant Classification Scheme 2023. Collection method: clinical testing. Allele origin: germline.
Comment: The p.I661V variant (also known as c.1981A>G), located in coding exon 15 of the SDHA gene, results from an A to G substitution at nucleotide position 1981. The isoleucine at codon 661 is replaced by valine, an amino acid with highly similar properties. This amino acid position is highly conserved in available vertebrate species. In addition, the in silico prediction for this alteration is inconclusive. Based on the available evidence, the clinical significance of this variant remains unclear.

NM_004168.4(SDHA):c.1981A>G (p.Ile661Val)

Gene: SDHA (succinate dehydrogenase complex flavoprotein subunit A; plus strand). Cytogenetic location: 5p15.33.
Variant type: single nucleotide variant.
Coding change: c.1981A>G on transcript NM_004168.4 (MANE Select); coding-DNA position 1981, A replaced by G.
Protein change: p.Ile661Val; replaces isoleucine 661 with valine.
Molecular consequence: missense variant.
Genome position (GRCh38, 1-based): chr5:256,406, A>G. VCF-style: chr5-256406-A-G. GRCh37 (hg19) VCF-style: chr5-256521-A-G.
Other names: c.1837A>G, p.Ile613Val (NM_001294332.2); c.1738A>G, p.Ile580Val (NM_001330758.2); short protein forms I580V, I613V, I661V.
Identifiers: ClinVar variation 4161199 (VCV004161199.1).
Genomic context (GRCh38, chr5:256,406, plus strand): 5'-TATAGACCCGTGATCGACAAAACTTTGAACGAGGCTGACTGTGCCACCGTCCCGCCAGCC[A>G]TTCGCTCCTACTGATGAGACAAGATGTGGTGATGACAGAATCAGCTTTTGTAATTATGTA-3'
Protein context (NP_004159.2, residues 651-664): EADCATVPPA[Ile661Val]RSY